The following is an entry in ClinVar:

NM_016006.6(ABHD5):c.773+28TG[14]

Gene: ABHD5 (abhydrolase domain containing 5, lysophosphatidic acid acyltransferase; plus strand). Cytogenetic location: 3p21.33.
Variant type: Microsatellite.
Coding change: c.773+28TG[14] on transcript NM_016006.6 (MANE Select); 14 copies in a row of the 2-base unit TG starting at c.773+28.
Molecular consequence: intron variant.
Genome position: GRCh38 VCF-style: chr3-43715085-CTGTGTG-C. GRCh37 (hg19) VCF-style: chr3-43756577-CTGTGTG-C.
Other names: p.?; c.773+57_773+62del (NM_016006.6); c.773+28TG[14] (NM_001365650.1, NM_001355186.2); c.650+28TG[14] (NM_001365649.1).
Identifiers: ClinVar variation 4684690 (VCV004684690.1).

ClinVar aggregate classification (germline): Likely benign (1 of 4 stars; one submission).

Submission:

Mayo Clinic Laboratories, Mayo Clinic
Classification: Likely benign. Last evaluated: 2025-04-28. Review status: criteria provided, single submitter. Criteria: ACMG Guidelines, 2015. Collection method: clinical testing. Allele origin: germline. Observed: 7 variant alleles.
Comment: BP4, BP7